The following is an entry in ClinVar:

ClinVar aggregate classification (germline): Uncertain significance (1 of 4 stars; one submission).

Conditions:
Pyruvate dehydrogenase E3 deficiency (DLDD). Also called: DLD DEFICIENCY; E3 DEFICIENCY; MAPLE SYRUP URINE DISEASE, TYPE III; Dihydrolipoamide Dehydrogenase Deficiency; Lipoamide dehydrogenase deficiency, lactic acidosis due to; Lipoamide dehydrogenase deficiency. Identifiers: Orphanet 2394, Orphanet 765, MedGen C5574660, MONDO:0009529, OMIM 246900.

gnomAD v4.1: 1 of 1,613,138 alleles (0.000062%); no homozygotes.

Submission:

Labcorp Genetics (formerly Invitae), Labcorp
Classification: Uncertain significance for Pyruvate dehydrogenase E3 deficiency. Last evaluated: 2022-04-22. Review status: criteria provided, single submitter. Criteria: Invitae Variant Classification Sherloc (09022015). Collection method: clinical testing. Allele origin: germline.
Comment: This sequence change replaces aspartic acid, which is acidic and polar, with asparagine, which is neutral and polar, at codon 121 of the DLD protein (p.Asp121Asn). This variant is not present in population databases (gnomAD no frequency). This variant has not been reported in the literature in individuals affected with DLD-related conditions. Algorithms developed to predict the effect of missense changes on protein structure and function (SIFT, PolyPhen-2, Align-GVGD) all suggest that this variant is likely to be tolerated. In summary, the available evidence is currently insufficient to determine the role of this variant in disease. Therefore, it has been classified as a Variant of Uncertain Significance.

NM_000108.5(DLD):c.361G>A (p.Asp121Asn)

Gene: DLD (dihydrolipoamide dehydrogenase; plus strand). Cytogenetic location: 7q31.1.
Variant type: single nucleotide variant.
Coding change: c.361G>A on transcript NM_000108.5 (MANE Select); coding-DNA position 361, G replaced by A.
Protein change: p.Asp121Asn; replaces aspartic acid 121 with asparagine.
Molecular consequence: missense variant.
Genome position (GRCh38, 1-based): chr7:107,904,981, G>A. VCF-style: chr7-107904981-G-A. GRCh37 (hg19) VCF-style: chr7-107545426-G-A.
Other names: c.64G>A, p.Asp22Asn (NM_001289750.1); c.292G>A, p.Asp98Asn (NM_001289751.1); c.361G>A, p.Asp121Asn (NM_001289752.1); short protein forms D98N, D121N, D22N.
Identifiers: ClinVar variation 1415404 (VCV001415404.5), dbSNP rs780305161, ClinGen allele CA368855226.